The following is an entry in ClinVar:

NM_178857.6(RP1L1):c.480G>T (p.Met160Ile)

Gene: RP1L1 (RP1 like 1). Cytogenetic location: 8p23.1.
Variant type: single nucleotide variant.
Coding change: c.480G>T on transcript NM_178857.6 (MANE Select); coding-DNA position 480, G replaced by T.
Protein change: p.Met160Ile; replaces methionine 160 with isoleucine.
Molecular consequence: missense variant.
Genome position (GRCh38, 1-based): chr8:10,622,722, C>A on the plus strand (G>T on the coding strand, the complement: RP1L1 is on the minus strand). VCF-style: chr8-10622722-C-A. GRCh37 (hg19) VCF-style: chr8-10480232-C-A.
Other names: short protein forms M160I.
Identifiers: ClinVar variation 1474632 (VCV001474632.9), dbSNP rs868474754, ClinGen allele CA171954664.

ClinVar aggregate classification (germline): Uncertain significance. Review status: criteria provided, multiple submitters, no conflicts (2 of 4 stars). 2 submissions from 2 submitters: Uncertain significance (2). Last evaluated 2024-07-10.

Allele frequency attached by ClinVar (database versions not stated): gnomAD exomes 0.00002.

Submissions (2):

Labcorp Genetics (formerly Invitae), Labcorp
Classification: Uncertain significance. Last evaluated: 2024-07-10. Review status: criteria provided, single submitter. Criteria: Invitae Variant Classification Sherloc (09022015). Collection method: clinical testing. Allele origin: germline.
Comment: This sequence change replaces methionine, which is neutral and non-polar, with isoleucine, which is neutral and non-polar, at codon 160 of the RP1L1 protein (p.Met160Ile). This variant is not present in population databases (gnomAD no frequency). This variant has not been reported in the literature in individuals affected with RP1L1-related conditions. ClinVar contains an entry for this variant (Variation ID: 1474632). Advanced modeling of protein sequence and biophysical properties (such as structural, functional, and spatial information, amino acid conservation, physicochemical variation, residue mobility, and thermodynamic stability) performed at Invitae indicates that this missense variant is not expected to disrupt RP1L1 protein function with a negative predictive value of 80%. In summary, the available evidence is currently insufficient to determine the role of this variant in disease. Therefore, it has been classified as a Variant of Uncertain Significance.

Blueprint Genetics
Classification: Uncertain significance. Last evaluated: 2019-11-19. Review status: criteria provided, single submitter. Criteria: ACMG Guidelines, 2015. Collection method: clinical testing. Allele origin: germline.